The following is an entry in ClinVar:

ClinVar aggregate classification (germline): Uncertain significance (1 of 4 stars; one submission).

gnomAD v4.1: 1 of 1,614,064 alleles (0.000062%); highest among the groups gnomAD compares: South Asian, 0.0011%; no homozygotes.

Submission:

GeneDx
Classification: Uncertain significance. Last evaluated: 2023-07-28. Review status: criteria provided, single submitter. Criteria: GeneDx Variant Classification Process June 2021. Collection method: clinical testing. Allele origin: germline. Affected: yes.
Comment: Not observed at significant frequency in large population cohorts (gnomAD); In silico analysis supports that this missense variant has a deleterious effect on protein structure/function; Has not been previously published as pathogenic or benign to our knowledge

NM_002430.3(MN1):c.136G>A (p.Gly46Ser)

Gene: MN1 (MN1 proto-oncogene, transcriptional regulator; minus strand). Cytogenetic location: 22q12.1.
Variant type: single nucleotide variant.
Coding change: c.136G>A on transcript NM_002430.3 (MANE Select); coding-DNA position 136, G replaced by A.
Protein change: p.Gly46Ser; replaces glycine 46 with serine.
Molecular consequence: missense variant.
Genome position (GRCh38, 1-based): chr22:27,800,408, C>T on the plus strand (G>A on the coding strand, the complement: MN1 is on the minus strand). VCF-style: chr22-27800408-C-T. GRCh37 (hg19) VCF-style: chr22-28196396-C-T.
Other names: short protein forms G46S.
Identifiers: ClinVar variation 3361585 (VCV003361585.1).